The following is an entry in ClinVar:

NM_006364.4(SEC23A):c.1349_1350inv (p.Gly450Val)

Gene: SEC23A (SEC23 homolog A, COPII component; minus strand). Cytogenetic location: 14q21.1.
Variant type: Inversion.
Coding change: c.1349_1350inv on transcript NM_006364.4 (MANE Select).
Protein change: p.Gly450Val; replaces glycine 450 with valine.
Molecular consequence: missense variant.
Genome position: GRCh38 VCF-style: chr14-39063372-TC-GA. GRCh37 (hg19) VCF-style: chr14-39532576-TC-GA.
Other names: short protein forms G450V.
Identifiers: ClinVar variation 2882573 (VCV002882573.3), ClinGen allele CA2739278101.

ClinVar aggregate classification (germline): Uncertain significance (1 of 4 stars; one submission).

Conditions:
Craniolenticulosutural dysplasia (CLSD). Also called: BOYADJIEV-JABS SYNDROME. Identifiers: Orphanet 50814, MedGen C1843042, MONDO:0011911, OMIM 607812.

Submission:

Labcorp Genetics (formerly Invitae), Labcorp
Classification: Uncertain significance for Craniolenticulosutural dysplasia. Last evaluated: 2025-09-02. Review status: criteria provided, single submitter. Criteria: Invitae Variant Classification Sherloc (09022015). Collection method: clinical testing. Allele origin: germline.
Comment: This sequence change replaces glycine, which is neutral and non-polar, with valine, which is neutral and non-polar, at codon 450 of the SEC23A protein (p.Gly450Val). This variant is present in population databases (no rsID available, gnomAD 0.001%). This variant has not been reported in the literature in individuals affected with SEC23A-related conditions. ClinVar contains an entry for this variant (Variation ID: 2882573). An algorithm developed to predict the effect of missense changes on protein structure and function (PolyPhen-2) suggests that this variant is likely to be tolerated. In summary, the available evidence is currently insufficient to determine the role of this variant in disease. Therefore, it has been classified as a Variant of Uncertain Significance.